The following is an entry in ClinVar:

NM_199355.4(ADAMTS18):c.2438C>A (p.Pro813His)

Gene: ADAMTS18 (ADAM metallopeptidase with thrombospondin type 1 motif 18; minus strand). Cytogenetic location: 16q23.1.
Variant type: single nucleotide variant.
Coding change: c.2438C>A on transcript NM_199355.4 (MANE Select); coding-DNA position 2438, C replaced by A.
Protein change: p.Pro813His; replaces proline 813 with histidine.
Molecular consequence: missense variant.
Genome position (GRCh38, 1-based): chr16:77,319,943, G>T on the plus strand (C>A on the coding strand, the complement: ADAMTS18 is on the minus strand). VCF-style: chr16-77319943-G-T. GRCh37 (hg19) VCF-style: chr16-77353840-G-T.
Other names: c.1922C>A, p.Pro641His (NM_001326358.2); c.2438C>A (NM_199355.2); short protein forms P641H, P813H.
Identifiers: ClinVar variation 1345149 (VCV001345149.4), dbSNP rs865936548, ClinGen allele CA284390264.

ClinVar aggregate classification (germline): Uncertain significance. Review status: criteria provided, multiple submitters, no conflicts (2 of 4 stars). 2 submissions from 2 submitters: Uncertain significance (2). Last evaluated 2024-01-09.

Conditions:
Inborn genetic diseases. Identifiers: MedGen C0950123, MeSH D030342.

Allele frequency attached by ClinVar (database versions not stated): gnomAD exomes 0.00002; gnomAD 0.00016 and 0.00017; TOPMed 0.00019.

Submissions (2):

Ambry Genetics
Classification: Uncertain significance for Inborn genetic diseases. Last evaluated: 2024-01-09. Review status: criteria provided, single submitter. Criteria: Ambry Variant Classification Scheme 2023. Collection method: clinical testing. Allele origin: germline.

Labcorp Genetics (formerly Invitae), Labcorp
Classification: Uncertain significance. Last evaluated: 2022-07-27. Review status: criteria provided, single submitter. Criteria: Invitae Variant Classification Sherloc (09022015). Collection method: clinical testing. Allele origin: germline.
Comment: This sequence change replaces proline, which is neutral and non-polar, with histidine, which is basic and polar, at codon 813 of the ADAMTS18 protein (p.Pro813His). This variant is present in population databases (no rsID available, gnomAD 0.01%). This variant has not been reported in the literature in individuals affected with ADAMTS18-related conditions. ClinVar contains an entry for this variant (Variation ID: 1345149). Algorithms developed to predict the effect of missense changes on protein structure and function are either unavailable or do not agree on the potential impact of this missense change (SIFT: "Not Available"; PolyPhen-2: "Benign"; Align-GVGD: "Not Available"). In summary, the available evidence is currently insufficient to determine the role of this variant in disease. Therefore, it has been classified as a Variant of Uncertain Significance.